The following is an entry in ClinVar:

ClinVar aggregate classification (germline): Benign (1 of 4 stars; one submission).

Conditions:
Polyps, multiple and recurrent inflammatory fibroid, gastrointestinal. Identifiers: MedGen C5193005, MONDO:0008285, OMIM 175510.

Submission:

Myriad Genetics, Inc.
Classification: Benign for Polyps, multiple and recurrent inflammatory fibroid, gastrointestinal. Last evaluated: 2026-06-17. Review status: criteria provided, single submitter. Criteria: Myriad Autosomal Dominant, Autosomal Recessive and X-Linked Classification Criteria (2023). Collection method: clinical testing. Allele origin: unknown.
Comment: This variant is considered benign. This variant is a silent/synonymous amino acid change and it is not expected to impact splicing.

NM_006206.6(PDGFRA):c.2907C>T (p.Phe969=)

Gene: PDGFRA (platelet derived growth factor receptor alpha; plus strand). Cytogenetic location: 4q12.
Variant type: single nucleotide variant.
Coding change: c.2907C>T on transcript NM_006206.6 (MANE Select); coding-DNA position 2907, C replaced by T.
Protein change: p.Phe969=; no amino-acid change (phenylalanine 969 retained).
Molecular consequence: synonymous variant.
Genome position (GRCh38, 1-based): chr4:54,290,339, C>T. VCF-style: chr4-54290339-C-T. GRCh37 (hg19) VCF-style: chr4-55156506-C-T.
Other names: c.2982C>T, p.Phe994= (NM_001347828.2); c.2907C>T, p.Phe969= (NM_001347829.2); c.2946C>T, p.Phe982= (NM_001347830.2).
Identifiers: ClinVar variation 4875941 (VCV004875941.1), dbSNP rs267600189.